The following is an entry in ClinVar:

NM_000093.5(COL5A1):c.628C>G (p.Arg210Gly)

Gene: COL5A1 (collagen type V alpha 1 chain; plus strand). Cytogenetic location: 9q34.3.
Variant type: single nucleotide variant.
Coding change: c.628C>G on transcript NM_000093.5 (MANE Select); coding-DNA position 628, C replaced by G.
Protein change: p.Arg210Gly; replaces arginine 210 with glycine.
Molecular consequence: missense variant.
Genome position (GRCh38, 1-based): chr9:134,701,307, C>G. VCF-style: chr9-134701307-C-G. GRCh37 (hg19) VCF-style: chr9-137593153-C-G.
Other names: c.628C>G, p.Arg210Gly (NM_001278074.1); short protein forms R210G.
Identifiers: ClinVar variation 4887738 (VCV004887738.2).

ClinVar aggregate classification (germline): Uncertain significance. Review status: criteria provided, multiple submitters, no conflicts (2 of 4 stars). 2 submissions from 2 submitters: Uncertain significance (2). Last evaluated 2026-08-21.

Conditions:
COL5A1-related disorder. Also called: COL5A1-related condition.

Submissions (2):

PreventionGenetics, part of Exact Sciences
Classification: Uncertain significance for COL5A1-related condition. Last evaluated: 2026-08-21. Review status: criteria provided, single submitter. Criteria: ACMG Guidelines, 2015. Collection method: clinical testing. Allele origin: germline.
Comment: The COL5A1 c.628C>G variant is predicted to result in the amino acid substitution p.Arg210Gly. To our knowledge, this variant has not been reported in the literature or in a large population database (gnomAD), indicating this variant is rare. At this time, the clinical significance of this variant is uncertain due to the absence of conclusive functional and genetic evidence.

Women's Health and Genetics/Laboratory Corporation of America, LabCorp
Classification: Uncertain significance. Last evaluated: 2026-06-23. Review status: criteria provided, single submitter. Criteria: LabCorp Variant Classification Summary - May 2015. Collection method: clinical testing. Allele origin: germline.
Comment: Variant summary: COL5A1 c.628C>G (p.Arg210Gly) results in a non-conservative amino acid change in the encoded protein sequence. Algorithms developed to predict the effect of missense changes on protein structure and function all suggest that this variant is likely to be disruptive. The variant was absent in 250010 control chromosomes. The available data on variant occurrences in the general population are insufficient to allow any conclusion about variant significance. To our knowledge, no occurrence of c.628C>G in individuals affected with COL5A1-related conditions and no experimental evidence demonstrating its impact on protein function have been reported. No submitters have cited clinical-significance assessments for this variant to ClinVar. Based on the evidence outlined above, the variant was classified as uncertain significance.